The following is an entry in ClinVar:

Conditions:
Breast-ovarian cancer, familial, susceptibility to, 1 (BROVCA1). Also called: BRCA1 Hereditary Breast and Ovarian Cancer; OVARIAN CANCER, SUSCEPTIBILITY TO. Identifiers: Orphanet 145, MedGen C2676676, MONDO:0011450, OMIM 604370. Disease mechanism: loss of function.

Submission:

Brotman Baty Institute, University of Washington
No classification provided (evidence only). Condition: Breast-ovarian cancer, familial 1. Review status: no classification provided. Collection method: in vitro. Allele origin: not applicable. Functional consequence: functionally_normal.
ClinVar note: "not provided" was previously submitted as the classification for the variant. However, the classification appeared to be based only on an observation of functional data so it was converted to no classification on 2025-07-30.

NM_007294.4(BRCA1):c.10T>A (p.Ser4Thr)

Gene: BRCA1 (BRCA1 DNA repair associated; minus strand). Cytogenetic location: 17q21.31.
Variant type: single nucleotide variant.
Coding change: c.10T>A on transcript NM_007294.4 (MANE Select); coding-DNA position 10, T replaced by A.
Protein change: p.Ser4Thr; replaces serine 4 with threonine.
Molecular consequence: missense variant. On other transcripts: 5 prime UTR variant (1), non-coding transcript variant (1).
Genome position (GRCh38, 1-based): chr17:43,124,087, A>T on the plus strand (T>A on the coding strand, the complement: BRCA1 is on the minus strand). VCF-style: chr17-43124087-A-T. GRCh37 (hg19) VCF-style: chr17-41276104-A-T.
Other names: c.-179T>A (NM_001407571.1, NM_001407853.1, NM_001407879.1 and 46 more transcripts); c.10T>A, p.Ser4Thr (NM_001407581.1, NM_001407582.1, NM_001407583.1 and 193 more transcripts); c.-248T>A (NM_001407694.1, NM_001407724.1, NM_001407727.1 and 11 more transcripts); c.-252T>A (NM_001407695.1, NM_001408465.1); c.-393T>A (NM_001407696.1); c.-277T>A (NM_001407697.1, NM_001407846.1, NM_001407920.1); c.-78T>A (NM_001407698.1, NM_001407732.1, NM_001407736.1 and 23 more transcripts); c.-251T>A (NM_001407725.1, NM_001407730.1, NM_001407734.1 and 22 more transcripts); and 8 more; short protein forms S4T.
Identifiers: ClinVar variation 864989 (VCV000864989.3), dbSNP rs876658707, ClinGen allele CA10602139.